The following is an entry in ClinVar:

ClinVar aggregate classification (germline): Uncertain significance (1 of 4 stars; one submission).

Conditions:
Retinoblastoma (RB1). Also called: RETINOBLASTOMA, SOMATIC. Identifiers: Orphanet 790, MedGen C0035335, MeSH D012175, MONDO:0008380, OMIM 180200, HP:0009919. Disease mechanism: loss of function. Inheritance: Both sporadic and heritable forms are tested..

Submission:

Labcorp Genetics (formerly Invitae), Labcorp
Classification: Uncertain significance for Retinoblastoma. Last evaluated: 2025-09-27. Review status: criteria provided, single submitter. Criteria: Invitae Variant Classification Sherloc (09022015). Collection method: clinical testing. Allele origin: germline.
Comment: This variant occurs in a non-coding region of the RB1 gene. It does not change the encoded amino acid sequence of the RB1 protein. This variant is not present in population databases (gnomAD no frequency). This variant has not been reported in the literature in individuals affected with RB1-related conditions. Experimental studies and prediction algorithms are not available or were not evaluated, and the functional significance of this variant is currently unknown. In summary, the available evidence is currently insufficient to determine the role of this variant in disease. Therefore, it has been classified as a Variant of Uncertain Significance.

NC_000013.11:g.48303713G>C

Gene: RB1 (RB transcriptional corepressor 1; plus strand). Cytogenetic location: 13q14.2.
Variant type: single nucleotide variant.
Genome position: GRCh38 VCF-style: chr13-48303713-G-C. GRCh37 (hg19) VCF-style: chr13-48877849-G-C.
Identifiers: ClinVar variation 3689602 (VCV003689602.2).
Genomic context (GRCh38, chr13:48,303,713, plus strand): 5'-GCGCCCCAGTTCCCCACAGACGCCGGCGGGCCCGGGAGCCTCGCGGACGTGACGCCGCGG[G>C]CGGAAGTGACGTTTTCCCGCGGTTGGACGCGGCGCTCAGTTGCCGGGCGGGGGAGGGCGC-3'